The following is an entry in ClinVar:

ClinVar aggregate classification (germline): Likely pathogenic (1 of 4 stars; one submission).

Conditions:
Arthrogryposis multiplex congenita 2, neurogenic type (AMC2). Also called: Neurogenic arthrogryposis multiplex congenita; AMC, NEUROGENIC TYPE. Identifiers: Orphanet 1143, MedGen C5435650, MONDO:0008823, OMIM 208100.

Submission:

Clinical Biomedical Laboratory, Shriners Hospital For Children - Canada
Classification: Likely pathogenic for Arthrogryposis multiplex congenita 2, neurogenic type. Review status: criteria provided, single submitter. Criteria: ACMG Guidelines, 2015. Collection method: clinical testing. Allele origin: germline. Affected: yes.
Comment: This variant affects the 5’ donor splice site with a SpliceAI score of 0.99. In the Genome Aggregation Database (gnomAD) this variant is not present. A homozygous pathogenic variant in ERGIC1 has been identified in individuals with arthrogryposis multiplex congenita (PMID:28317099). This variant has been shown to lead to affect mRNA splicing, resulting in a frameshift and nonsense-mediated decay (PMID 42140882).

Literature cited by the submitters: PubMed 28317099; PubMed 42140882.

NM_001031711.3(ERGIC1):c.250+1G>A

Gene: ERGIC1 (endoplasmic reticulum-golgi intermediate compartment 1; plus strand). Cytogenetic location: 5q35.1.
Variant type: single nucleotide variant.
Coding change: c.250+1G>A on transcript NM_001031711.3 (MANE Select); the canonical splice donor site of the intron after coding-DNA position 250, G replaced by A.
Molecular consequence: splice donor variant.
Genome position (GRCh38, 1-based): chr5:172,909,762, G>A. VCF-style: chr5-172909762-G-A. GRCh37 (hg19) VCF-style: chr5-172336765-G-A.
Identifiers: ClinVar variation 4890684 (VCV004890684.1).